The following is an entry in ClinVar:

NM_032382.5(COG8):c.1258C>T (p.Pro420Ser)

Gene: COG8 (component of oligomeric golgi complex 8; minus strand). Cytogenetic location: 16q22.1.
Variant type: single nucleotide variant.
Coding change: c.1258C>T on transcript NM_032382.5 (MANE Select); coding-DNA position 1258, C replaced by T.
Protein change: p.Pro420Ser; replaces proline 420 with serine.
Molecular consequence: missense variant.
Genome position (GRCh38, 1-based): chr16:69,334,676, G>A on the plus strand (C>T on the coding strand, the complement: COG8 is on the minus strand). VCF-style: chr16-69334676-G-A. GRCh37 (hg19) VCF-style: chr16-69368579-G-A.
Other names: c.1258C>T, p.Pro420Ser (NM_001374871.1, NM_001379261.1, NM_001379262.1 and 4 more transcripts); short protein forms P420S.
Identifiers: ClinVar variation 1001596 (VCV001001596.8), dbSNP rs2012085868, ClinGen allele CA396483700.

ClinVar aggregate classification (germline): Uncertain significance (1 of 4 stars; one submission).

Conditions:
COG8-congenital disorder of glycosylation. Also called: COG8-CDG; CDG IIh. Identifiers: Orphanet 95428, MedGen C1970021, MONDO:0012635, OMIM 611182.

Allele frequency attached by ClinVar (database versions not stated): gnomAD exomes below 0.00001.
gnomAD v4.1: 1 of 1,614,222 alleles (0.000062%); highest among the groups gnomAD compares: Non-Finnish European, 0.000085%; no homozygotes.

Submission:

Labcorp Genetics (formerly Invitae), Labcorp
Classification: Uncertain significance for COG8-congenital disorder of glycosylation. Last evaluated: 2020-09-24. Review status: criteria provided, single submitter. Criteria: Invitae Variant Classification Sherloc (09022015). Collection method: clinical testing. Allele origin: germline.
Comment: This variant has not been reported in the literature in individuals with COG8-related conditions. This variant is not present in population databases (ExAC no frequency). This sequence change replaces proline with serine at codon 420 of the COG8 protein (p.Pro420Ser). The proline residue is highly conserved and there is a moderate physicochemical difference between proline and serine. Algorithms developed to predict the effect of missense changes on protein structure and function (SIFT, PolyPhen-2, Align-GVGD) all suggest that this variant is likely to be tolerated, but these predictions have not been confirmed by published functional studies and their clinical significance is uncertain. In summary, the available evidence is currently insufficient to determine the role of this variant in disease. Therefore, it has been classified as a Variant of Uncertain Significance.